The following is an entry in ClinVar:

ClinVar aggregate classification (germline): Uncertain significance (1 of 4 stars; one submission).

Allele frequency attached by ClinVar (database versions not stated): TOPMed below 0.00001.
gnomAD v4.1: 4 of 1,614,004 alleles (0.00025%); highest among the groups gnomAD compares: Non-Finnish European, 0.00034%; no homozygotes.

Submission:

GeneDx
Classification: Uncertain significance. Last evaluated: 2024-06-13. Review status: criteria provided, single submitter. Criteria: GeneDx Variant Classification Process June 2021. Collection method: clinical testing. Allele origin: germline.
Comment: Not observed at significant frequency in large population cohorts (gnomAD); In silico analysis indicates that this missense variant does not alter protein structure/function; Has not been previously published as pathogenic or benign to our knowledge

NM_030632.3(ASXL3):c.5270A>G (p.Asn1757Ser)

Gene: ASXL3 (ASXL transcriptional regulator 3; plus strand). Cytogenetic location: 18q12.1.
Variant type: single nucleotide variant.
Coding change: c.5270A>G on transcript NM_030632.3 (MANE Select); coding-DNA position 5270, A replaced by G.
Protein change: p.Asn1757Ser; replaces asparagine 1757 with serine.
Molecular consequence: missense variant.
Genome position (GRCh38, 1-based): chr18:33,745,118, A>G. VCF-style: chr18-33745118-A-G. GRCh37 (hg19) VCF-style: chr18-31325082-A-G.
Other names: short protein forms N1757S.
Identifiers: ClinVar variation 2580850 (VCV002580850.2), dbSNP rs2067755159, ClinGen allele CA402193616.